The following is an entry in ClinVar:

NM_004655.4(AXIN2):c.11C>G (p.Ala4Gly)

Gene: AXIN2 (axin 2; minus strand). Cytogenetic location: 17q24.1.
Variant type: single nucleotide variant.
Coding change: c.11C>G on transcript NM_004655.4 (MANE Select); coding-DNA position 11, C replaced by G.
Protein change: p.Ala4Gly; replaces alanine 4 with glycine.
Molecular consequence: missense variant.
Genome position (GRCh38, 1-based): chr17:65,558,610, G>C on the plus strand (C>G on the coding strand, the complement: AXIN2 is on the minus strand). VCF-style: chr17-65558610-G-C. GRCh37 (hg19) VCF-style: chr17-63554728-G-C.
Other names: c.11C>G (NM_004655.3); c.11C>G, p.Ala4Gly (NM_001363813.1); short protein forms A4G.
Identifiers: ClinVar variation 1509709 (VCV001509709.7), dbSNP rs2144592382, ClinGen allele CA400682499.

ClinVar aggregate classification (germline): Uncertain significance. Review status: criteria provided, multiple submitters, no conflicts (2 of 4 stars). 2 submissions from 2 submitters: Uncertain significance (2). Last evaluated 2024-02-26.

Conditions:
Hereditary cancer-predisposing syndrome. Also called: Hereditary neoplastic syndrome; Neoplastic Syndromes, Hereditary; Tumor predisposition; Hereditary Cancer Syndrome. Identifiers: Orphanet 140162, MedGen C0027672, MeSH D009386, MONDO:0015356.
Oligodontia-cancer predisposition syndrome. Also called: TOOTH AGENESIS-COLORECTAL CANCER SYNDROME. Identifiers: Orphanet 300576, MedGen C1837750, MONDO:0012075, OMIM 608615. Disease mechanism: loss of function.

Allele frequency attached by ClinVar (database versions not stated): gnomAD exomes below 0.00001.
gnomAD v4.1: 2 of 1,607,266 alleles (0.00012%); highest among the groups gnomAD compares: Non-Finnish European, 0.00017%; no homozygotes.

Submissions (2):

Labcorp Genetics (formerly Invitae), Labcorp
Classification: Uncertain significance for Oligodontia-cancer predisposition syndrome. Last evaluated: 2024-02-26. Review status: criteria provided, single submitter. Criteria: Invitae Variant Classification Sherloc (09022015). Collection method: clinical testing. Allele origin: germline.
Comment: This sequence change replaces alanine, which is neutral and non-polar, with glycine, which is neutral and non-polar, at codon 4 of the AXIN2 protein (p.Ala4Gly). This variant is not present in population databases (gnomAD no frequency). This variant has not been reported in the literature in individuals affected with AXIN2-related conditions. ClinVar contains an entry for this variant (Variation ID: 1509709). An algorithm developed to predict the effect of missense changes on protein structure and function (PolyPhen-2) suggests that this variant is likely to be tolerated. Algorithms developed to predict the effect of sequence changes on RNA splicing suggest that this variant may create or strengthen a splice site. In summary, the available evidence is currently insufficient to determine the role of this variant in disease. Therefore, it has been classified as a Variant of Uncertain Significance.

Ambry Genetics
Classification: Uncertain significance for Hereditary cancer-predisposing syndrome. Last evaluated: 2022-11-12. Review status: criteria provided, single submitter. Criteria: Ambry Variant Classification Scheme 2023. Collection method: clinical testing. Allele origin: germline.
Comment: The p.A4G variant (also known as c.11C>G), located in coding exon 1 of the AXIN2 gene, results from a C to G substitution at nucleotide position 11. The alanine at codon 4 is replaced by glycine, an amino acid with similar properties. This amino acid position is conserved. In addition, this alteration is predicted to be tolerated by in silico analysis. Since supporting evidence is limited at this time, the clinical significance of this alteration remains unclear.